The following is an entry in ClinVar:

NM_020810.3(TRMT5):c.840T>C (p.Tyr280=)

Gene: TRMT5 (tRNA methyltransferase 5; minus strand). Cytogenetic location: 14q23.1.
Variant type: single nucleotide variant.
Coding change: c.840T>C on transcript NM_020810.3 (MANE Select); coding-DNA position 840, T replaced by C.
Protein change: p.Tyr280=; no amino-acid change (tyrosine 280 retained).
Molecular consequence: synonymous variant.
Genome position (GRCh38, 1-based): chr14:60,976,079, A>G on the plus strand (T>C on the coding strand, the complement: TRMT5 is on the minus strand). VCF-style: chr14-60976079-A-G. GRCh37 (hg19) VCF-style: chr14-61442797-A-G.
Other names: c.924T>C, p.Tyr308= (NM_001350253.1); c.921T>C, p.Tyr307= (NM_001350254.1).
Identifiers: ClinVar variation 717013 (VCV000717013.12), dbSNP rs61747441, ClinGen allele CA7213812.

ClinVar aggregate classification (germline): Benign. Review status: criteria provided, single submitter (1 of 4 stars). 2 submissions from 2 submitters: Benign (1). 1 of the submissions does not count toward it. Last evaluated 2026-01-28.

Conditions:
TRMT5-related disorder. Also called: TRMT5-related condition.

Allele frequency attached by ClinVar (database versions not stated): gnomAD exomes 0.00035 and 0.00092; ExAC 0.00104; gnomAD 0.00313 and 0.00341; TOPMed 0.00348; ESP Exome Variant Server 0.00392; 1000 Genomes Project 0.00399; 1000 Genomes Project 30x 0.00453.
gnomAD v4.1: 996 of 1,611,996 alleles (0.062%); highest among the groups gnomAD compares: African/African-American, 1.1%; 5 homozygotes.

Submissions (2):

Labcorp Genetics (formerly Invitae), Labcorp
Classification: Benign. Last evaluated: 2026-01-28. Review status: criteria provided, single submitter. Criteria: Invitae Variant Classification Sherloc (09022015). Collection method: clinical testing. Allele origin: germline.

PreventionGenetics, part of Exact Sciences
Classification: Benign for TRMT5-related condition. Last evaluated: 2019-09-20. Review status: no assertion criteria provided. Collection method: clinical testing. Allele origin: germline. Not counted in ClinVar's aggregate classification.
Comment: This variant is classified as benign based on ACMG/AMP sequence variant interpretation guidelines (Richards et al. 2015 PMID: 25741868, with internal and published modifications).